The following is an entry in ClinVar:

ClinVar aggregate classification (germline): Uncertain significance (1 of 4 stars; one submission).

Conditions:
Renal cell carcinoma. Identifiers: Orphanet 217071, MedGen C0007134, MeSH D002292, MONDO:0005086, HP:0005584.

Submission:

Labcorp Genetics (formerly Invitae), Labcorp
Classification: Uncertain significance for Renal cell carcinoma. Last evaluated: 2021-11-24. Review status: criteria provided, single submitter. Criteria: Invitae Variant Classification Sherloc (09022015). Collection method: clinical testing. Allele origin: germline.
Comment: This variant has not been reported in the literature in individuals affected with MET-related conditions. In summary, the available evidence is currently insufficient to determine the role of this variant in disease. Therefore, it has been classified as a Variant of Uncertain Significance. This variant is not present in population databases (gnomAD no frequency). This sequence change creates a premature translational stop signal (p.Trp758*) in the MET gene. It is expected to result in an absent or disrupted protein product. However, the current clinical and genetic evidence is not sufficient to establish whether loss-of-function variants in MET cause disease.

NM_000245.4(MET):c.2265-46G>A

Gene: MET (MET proto-oncogene, receptor tyrosine kinase; plus strand). Cytogenetic location: 7q31.2.
Variant type: single nucleotide variant.
Coding change: c.2265-46G>A on transcript NM_000245.4 (MANE Select); 46 bases into the intron before coding-DNA position 2265, G replaced by A.
Molecular consequence: intron variant. On other transcripts: nonsense (1).
Genome position (GRCh38, 1-based): chr7:116,759,345, G>A. VCF-style: chr7-116759345-G-A. GRCh37 (hg19) VCF-style: chr7-116399399-G-A.
Other names: c.2273G>A, p.Trp758Ter (NM_001127500.3); c.975-46G>A (NM_001324402.2); c.2265-46G>A (NM_001324401.3); short protein forms W758*.
Identifiers: ClinVar variation 2134515 (VCV002134515.4), dbSNP rs1584943653, ClinGen allele CA368981525.
Genomic context (GRCh38, chr7:116,759,345, plus strand): 5'-GCCTCTGACCTGTAATCAGTGCAGGTGATTAAATTGAATCCCTCTCTTACAGTACTTGGT[G>A]GAAAGAACCTCTCAACATTGTCAGTTTTCTATTTTGCTTTGCCAGTGGTGGGAGCACAAT-3'